The following is an entry in ClinVar:

NM_001142864.4(PIEZO1):c.910_912del (p.Leu304del)

Genes: HSALR1 (HSP90AB1 associated lncRNA 1; plus strand), PIEZO1 (piezo type mechanosensitive ion channel component 1 (Er blood group); minus strand). Cytogenetic location: 16q24.3.
Variant type: Deletion.
Coding change: c.910_912del on transcript NM_001142864.4 (MANE Select); coding-DNA positions 910 to 912, 3 bases deleted (CTC; older notation c.910_912delCTC).
Protein change: p.Leu304del; deletes leucine 304.
Molecular consequence: inframe deletion. On other transcripts: non-coding transcript variant (1).
Genome position (GRCh38, 1-based): chr16:88,738,042-88,738,044, GAG deleted on the plus strand (CTC on the coding strand, the reverse complement: PIEZO1 is on the minus strand); deleting any 3 consecutive bases within chr16:88,738,042-88,738,046 gives the same sequence; the c. name uses the placement nearest the transcript's 3' end. VCF-style (leftmost placement, unchanged base first): chr16-88738041-TGAG-T. GRCh37 (hg19) VCF-style: chr16-88804449-TGAG-T.
Other names: short protein forms L304del.
Identifiers: ClinVar variation 994341 (VCV000994341.12), dbSNP rs753619127, ClinGen allele CA8233169.

ClinVar aggregate classification (germline): Uncertain significance. Review status: criteria provided, multiple submitters, no conflicts (2 of 4 stars). 5 submissions from 5 submitters: Uncertain significance (5). Last evaluated 2026-09-01.

Conditions:
Lymphatic malformation 6 (LMPHM6). Also called: GENERALIZED LYMPHATIC DYSPLASIA OF FOTIOU; Lymphedema, hereditary, III; PIEZO1-related generalized lymphatic dysplasia with non-immune hydrops fetalis. Identifiers: Orphanet 568062, MedGen C4225184, MONDO:0014797, OMIM 616843.

Submissions (5):

CeGaT Center for Human Genetics Tuebingen
Classification: Uncertain significance. Last evaluated: 2026-09-01. Review status: criteria provided, single submitter. Criteria: CeGaT Center For Human Genetics Tuebingen Variant Classification Criteria Version 2. Collection method: clinical testing. Allele origin: germline. Affected: yes. Observed: 1 variant allele.
Comment: PIEZO1: PM4:Supporting

Revvity Omics, Revvity
Classification: Uncertain significance. Last evaluated: 2024-12-13. Review status: criteria provided, single submitter. Criteria: ACMG Guidelines, 2015. Collection method: clinical testing. Allele origin: germline.

Clinical Genomics Laboratory, Washington University in St. Louis
Classification: Uncertain significance for Lymphatic malformation 6. Last evaluated: 2024-10-31. Review status: criteria provided, single submitter. Criteria: ACMG Guidelines, 2015. Collection method: clinical testing. Allele origin: germline.
Comment: A PIEZO1 c.910_912del (p.Leu304del) variant was identified at a near heterozygous allelic fraction of 48.92%, a frequency which may be consistent with it being of germline origin. This variant has not, to our knowledge, been reported in the medical literature. The highest population minor allele frequency in the population database genome aggregation database (v.4.1.0) is 0.01569% in the Admixed American population. Due to limited information, and based on ACMG/AMP guidelines for variant interpretation (Richards S et al., PMID: 25741868), this variant is classified as being of uncertain clinical significance.

Blueprint Genetics
Classification: Uncertain significance. Last evaluated: 2024-09-10. Review status: criteria provided, single submitter. Criteria: ACMG Guidelines, 2015. Collection method: clinical testing. Allele origin: germline.

ARUP Laboratories, Molecular Genetics and Genomics, ARUP Laboratories
Classification: Uncertain significance. Last evaluated: 2020-06-04. Review status: criteria provided, single submitter. Criteria: ARUP Molecular Germline Variant Investigation Process. Collection method: clinical testing. Allele origin: germline.